The following is an entry in ClinVar:

ClinVar aggregate classification (germline): Uncertain significance (1 of 4 stars; one submission).

gnomAD v4.1: 73 of 1,475,820 alleles (0.0049%); highest among the groups gnomAD compares: South Asian, 0.0078%; no homozygotes.

Submission:

Labcorp Genetics (formerly Invitae), Labcorp
Classification: Uncertain significance. Last evaluated: 2025-04-17. Review status: criteria provided, single submitter. Criteria: Invitae Variant Classification Sherloc (09022015). Collection method: clinical testing. Allele origin: germline.
Comment: This sequence change replaces glutamic acid, which is acidic and polar, with lysine, which is basic and polar, at codon 104 of the MESP1 protein (p.Glu104Lys). This variant is present in population databases (rs771329728, gnomAD 0.01%). This missense change has been observed in individual(s) with tetralogy of fallot (PMID: 26694203). An algorithm developed to predict the effect of missense changes on protein structure and function (PolyPhen-2) suggests that this variant is likely to be disruptive. Experimental studies have shown that this missense change affects MESP1 function (PMID: 26694203). In summary, the available evidence is currently insufficient to determine the role of this variant in disease. Therefore, it has been classified as a Variant of Uncertain Significance.

Literature cited by the submitters: PubMed 26694203.

NM_018670.4(MESP1):c.310G>A (p.Glu104Lys)

Genes: MESP1 (mesoderm posterior bHLH transcription factor 1; minus strand), LOC130057889 (ATAC-STARR-seq lymphoblastoid silent region 6804; plus strand). Cytogenetic location: 15q26.1.
Variant type: single nucleotide variant.
Coding change: c.310G>A on transcript NM_018670.4 (MANE Select); coding-DNA position 310, G replaced by A.
Protein change: p.Glu104Lys; replaces glutamic acid 104 with lysine.
Molecular consequence: missense variant.
Genome position (GRCh38, 1-based): chr15:89,750,922, C>T on the plus strand (G>A on the coding strand, the complement: MESP1 is on the minus strand). VCF-style: chr15-89750922-C-T. GRCh37 (hg19) VCF-style: chr15-90294153-C-T.
Other names: short protein forms E104K.
Identifiers: ClinVar variation 4710204 (VCV004710204.1).
Genomic context (GRCh38, chr15:89,750,922, plus strand): 5'-CGATCTTGGTCAGGCTCTGGCCCGCGGGCGCCACGGACGGCGGTAGAAAGCGGCGCAGCT[C>T]GTGCAGGGCGCGGGCCAGCGTGCGCATGCGCAGTTTCTCCCGCTCACTGGCGCTCTGCCT-3'
Protein context (NP_061140.1, residues 94-114): RMRTLARALH[Glu104Lys]LRRFLPPSVA